The following is an entry in ClinVar:

NM_005861.4(STUB1):c.897G>T (p.Trp299Cys)

Genes: JMJD8 (jumonji domain containing 8; minus strand), STUB1 (STIP1 homology and U-box containing protein 1; plus strand). Cytogenetic location: 16p13.3.
Variant type: single nucleotide variant.
Coding change: c.897G>T on transcript NM_005861.4 (MANE Select); coding-DNA position 897, G replaced by T.
Protein change: p.Trp299Cys; replaces tryptophan 299 with cysteine.
Molecular consequence: missense variant. On other transcripts: 3 prime UTR variant (5), non-coding transcript variant (3).
Genome position (GRCh38, 1-based): chr16:682,474, G>T. VCF-style: chr16-682474-G-T. GRCh37 (hg19) VCF-style: chr16-732474-G-T.
Other names: c.681G>T, p.Trp227Cys (NM_001293197.2); c.*320C>A (NM_001005920.4, NM_001323919.3, NM_001323920.3); c.*354C>A (NM_001323918.3, NM_001323922.3); short protein forms W227C, W299C.
Identifiers: ClinVar variation 4687946 (VCV004687946.1).
Genomic context (GRCh38, chr16:682,474, plus strand): 5'-GCTCATCCCCAACTTGGCTATGAAGGAGGTTATTGACGCATTCATCTCTGAGAATGGCTG[G>T]GTGGAGGACTACTGAGGTTCCCTGCCCTACCTGGCGTCCTGGTCCAGGGGAGCCCTGGGC-3'
Protein context (NP_005852.2, residues 289-303): VIDAFISENG[Trp299Cys]VEDY

ClinVar aggregate classification (germline): Uncertain significance (1 of 4 stars; one submission).

Conditions:
Spinocerebellar ataxia 48. Identifiers: Orphanet 631103, MedGen C4748158, MONDO:0032526, OMIM 618093.

Submission:

Human Genetics Bochum, Ruhr University Bochum
Classification: Uncertain significance for Spinocerebellar ataxia 48. Last evaluated: 2024-06-11. Review status: criteria provided, single submitter. Criteria: ACMG Guidelines, 2015. Collection method: clinical testing. Allele origin: germline. Affected: yes.
Comment: ACMG criteria used to clasify this variant: PM2_SUP, PP2, PP3